The following is an entry in ClinVar:

ClinVar aggregate classification (germline): Likely benign. Review status: criteria provided, single submitter (1 of 4 stars). 2 submissions from 2 submitters: Likely benign (1). 1 of the submissions does not count toward it. Last evaluated 2021-04-21.

Conditions:
HTRA1-related disorder. Also called: HTRA1-related condition.

Allele frequency attached by ClinVar (database versions not stated): gnomAD exomes below 0.00001; TOPMed below 0.00001; gnomAD 0.00001.
gnomAD v4.1: 7 of 1,613,382 alleles (0.00043%); highest among the groups gnomAD compares: Non-Finnish European, 0.00059%; no homozygotes.

Submissions (2):

Blueprint Genetics
Classification: Likely benign. Last evaluated: 2021-04-21. Review status: criteria provided, single submitter. Criteria: ACMG Guidelines, 2015. Collection method: clinical testing. Allele origin: germline.

PreventionGenetics, part of Exact Sciences
Classification: Likely benign for HTRA1-related condition. Last evaluated: 2021-02-02. Review status: no assertion criteria provided. Collection method: clinical testing. Allele origin: germline. Not counted in ClinVar's aggregate classification.
Comment: This variant is classified as likely benign based on ACMG/AMP sequence variant interpretation guidelines (Richards et al. 2015 PMID: 25741868, with internal and published modifications).

NM_002775.5(HTRA1):c.1275-7G>A

Gene: HTRA1 (HtrA serine peptidase 1; plus strand). Cytogenetic location: 10q26.13.
Variant type: single nucleotide variant.
Coding change: c.1275-7G>A on transcript NM_002775.5 (MANE Select); 7 bases into the intron before coding-DNA position 1275, G replaced by A.
Molecular consequence: intron variant.
Genome position (GRCh38, 1-based): chr10:122,514,184, G>A. VCF-style: chr10-122514184-G-A. GRCh37 (hg19) VCF-style: chr10-124273700-G-A.
Identifiers: ClinVar variation 3054268 (VCV003054268.3), dbSNP rs978451829, ClinGen allele CA214415855.